The following is an entry in ClinVar:

NM_018947.6(CYCS):c.158A>G (p.Asn53Ser)

Gene: CYCS (cytochrome c, somatic; minus strand). Cytogenetic location: 7p15.3.
Variant type: single nucleotide variant.
Coding change: c.158A>G on transcript NM_018947.6 (MANE Select); coding-DNA position 158, A replaced by G.
Protein change: p.Asn53Ser; replaces asparagine 53 with serine.
Molecular consequence: missense variant.
Genome position (GRCh38, 1-based): chr7:25,123,962, T>C on the plus strand (A>G on the coding strand, the complement: CYCS is on the minus strand). VCF-style: chr7-25123962-T-C. GRCh37 (hg19) VCF-style: chr7-25163581-T-C.
Other names: short protein forms N53S.
Identifiers: ClinVar variation 2701206 (VCV002701206.4), dbSNP rs747030332, ClinGen allele CA4192837.

ClinVar aggregate classification (germline): Uncertain significance (1 of 4 stars; one submission).

Allele frequency attached by ClinVar (database versions not stated): ExAC 0.00002; gnomAD exomes 0.00004; TOPMed 0.00006; gnomAD 0.00005.
gnomAD v4.1: 73 of 1,614,114 alleles (0.0045%); highest among the groups gnomAD compares: Middle Eastern, 0.016%; no homozygotes.

Submissions (2):

Labcorp Genetics (formerly Invitae), Labcorp
Classification: Uncertain significance. Last evaluated: 2025-10-03. Review status: criteria provided, single submitter. Criteria: Invitae Variant Classification Sherloc (09022015). Collection method: clinical testing. Allele origin: germline.
Comment: This sequence change replaces asparagine, which is neutral and polar, with serine, which is neutral and polar, at codon 53 of the CYCS protein (p.Asn53Ser). This variant is present in population databases (rs747030332, gnomAD 0.006%). This variant has not been reported in the literature in individuals affected with CYCS-related conditions. ClinVar contains an entry for this variant (Variation ID: 2701206). An algorithm developed to predict the effect of missense changes on protein structure and function (PolyPhen-2) suggests that this variant is likely to be tolerated. In summary, the available evidence is currently insufficient to determine the role of this variant in disease. Therefore, it has been classified as a Variant of Uncertain Significance.

Dr. Peter K. Rogan Lab, Western University
No classification provided (evidence only). Condition: Lung cancer. Review status: no classification provided. Collection method: in vitro. Allele origin: not applicable. Functional consequence: retained intron. Not counted in ClinVar's aggregate classification.